The following is an entry in ClinVar:

ClinVar aggregate classification (germline): Uncertain significance (1 of 4 stars; one submission).

Submission:

GeneDx
Classification: Uncertain significance. Last evaluated: 2019-05-23. Review status: criteria provided, single submitter. Criteria: GeneDx Variant Classification Process June 2021. Collection method: clinical testing. Allele origin: germline. Affected: yes.
Comment: Not observed in large population cohorts (Lek et al., 2016); In silico analysis, which includes protein predictors and evolutionary conservation, supports a deleterious effect; Has not been previously published as pathogenic or benign to our knowledge

NM_001099922.3(ALG13):c.124G>A (p.Gly42Ser)

Gene: ALG13 (ALG13 UDP-N-acetylglucosaminyltransferase subunit; plus strand). Cytogenetic location: Xq23.
Variant type: single nucleotide variant.
Coding change: c.124G>A on transcript NM_001099922.3 (MANE Select); coding-DNA position 124, G replaced by A.
Protein change: p.Gly42Ser; replaces glycine 42 with serine.
Molecular consequence: missense variant. On other transcripts: 5 prime UTR variant (6), non-coding transcript variant (1), intron variant (5).
Genome position (GRCh38, 1-based): chrX:111,682,174, G>A. VCF-style: chrX-111682174-G-A. GRCh37 (hg19) VCF-style: chrX-110925402-G-A.
Other names: c.124G>A, p.Gly42Ser (NM_001039210.5, NM_001168385.3, NM_001324290.2 and 2 more transcripts); c.-52G>A (NM_001257231.2, NM_001257241.3); c.-189G>A (NM_001257237.2, NM_001257239.3, NM_001257240.3 and 1 more transcripts); c.-127-62G>A (NM_001257234.2, NM_001257230.2, NM_001257235.3 and 2 more transcripts); short protein forms G42S.
Identifiers: ClinVar variation 1306007 (VCV001306007.2), dbSNP rs2147625157, ClinGen allele CA414248219.
Genomic context (GRCh38, chrX:111,682,174, plus strand): 5'-TCTGATTTCCTCTTTCAGAAAATCGAGAGCCTTGGTTACAACCGACTTATCCTGCAAATT[G>A]GTAGAGGAACGGTGGTACCTGAACCCTTCAGTACTGAGTCGTTTACTCTGGATGTTTACA-3'
Protein context (NP_001093392.1, residues 32-52): LGYNRLILQI[Gly42Ser]RGTVVPEPFS